The following is an entry in ClinVar:

ClinVar aggregate classification (germline): Uncertain significance (1 of 4 stars; one submission).

Conditions:
Nemaline myopathy 2 (NEM2). Also called: Nemaline myopathy 2, autosomal recessive. Identifiers: MedGen C1850569, MONDO:0009725, OMIM 256030.

Submission:

Labcorp Genetics (formerly Invitae), Labcorp
Classification: Uncertain significance for Nemaline myopathy 2. Last evaluated: 2025-11-03. Review status: criteria provided, single submitter. Criteria: Invitae Variant Classification Sherloc (09022015). Collection method: clinical testing. Allele origin: germline.
Comment: This sequence change falls in intron 61 of the NEB gene. It does not directly change the encoded amino acid sequence of the NEB protein. It affects a nucleotide within the consensus splice site. This variant is not present in population databases (gnomAD no frequency). This variant has not been reported in the literature in individuals affected with NEB-related conditions. ClinVar contains an entry for this variant (Variation ID: 939707). Variants that disrupt the consensus splice site are a relatively common cause of aberrant splicing (PMID: 17576681, 9536098). Algorithms developed to predict the effect of sequence changes on RNA splicing suggest that this variant may disrupt the consensus splice site. In summary, the available evidence is currently insufficient to determine the role of this variant in disease. Therefore, it has been classified as a Variant of Uncertain Significance.

Literature cited by the submitters: PubMed 17576681; PubMed 9536098.

NM_001164508.2(NEB):c.8686-3C>T

Gene: NEB (nebulin; minus strand). Cytogenetic location: 2q23.3.
Variant type: single nucleotide variant.
Coding change: c.8686-3C>T on transcript NM_001164508.2 (MANE Select); 3 bases into the intron before coding-DNA position 8686, C replaced by T.
Molecular consequence: intron variant.
Genome position (GRCh38, 1-based): chr2:151,640,063, G>A on the plus strand (C>T on the coding strand, the complement: NEB is on the minus strand). VCF-style: chr2-151640063-G-A. GRCh37 (hg19) VCF-style: chr2-152496577-G-A.
Other names: c.8686-3C>T (NM_004543.5, NM_001164507.2, NM_001271208.2).
Identifiers: ClinVar variation 939707 (VCV000939707.7), dbSNP rs2098827787, ClinGen allele CA1139657251.